The following is an entry in ClinVar:

ClinVar aggregate classification (germline): Benign/Likely benign. Review status: criteria provided, multiple submitters, no conflicts (2 of 4 stars). 2 submissions from 2 submitters: Benign (1); Likely benign (1). Last evaluated 2025-11-11.

Allele frequency attached by ClinVar (database versions not stated): ESP Exome Variant Server 0.00008; gnomAD 0.00024; TOPMed 0.00030; ExAC 0.00042.
gnomAD v4.1: 310 of 1,610,226 alleles (0.019%); highest among the groups gnomAD compares: Admixed American, 0.055%; 1 homozygote.

Submissions (2):

Labcorp Genetics (formerly Invitae), Labcorp
Classification: Benign. Last evaluated: 2025-11-11. Review status: criteria provided, single submitter. Criteria: Invitae Variant Classification Sherloc (09022015). Collection method: clinical testing. Allele origin: germline.

CeGaT Center for Human Genetics Tuebingen
Classification: Likely benign. Last evaluated: 2023-01-01. Review status: criteria provided, single submitter. Criteria: CeGaT Center For Human Genetics Tuebingen Variant Classification Criteria Version 2. Collection method: clinical testing. Allele origin: germline. Affected: yes. Observed: 1 variant allele.
Comment: CACNA1G: BS1

NM_018896.5(CACNA1G):c.1777G>A (p.Val593Met)

Gene: CACNA1G (calcium voltage-gated channel subunit alpha1 G; plus strand). Cytogenetic location: 17q21.33.
Variant type: single nucleotide variant.
Coding change: c.1777G>A on transcript NM_018896.5 (MANE Select); coding-DNA position 1777, G replaced by A.
Protein change: p.Val593Met; replaces valine 593 with methionine.
Molecular consequence: missense variant. On other transcripts: non-coding transcript variant (5).
Genome position (GRCh38, 1-based): chr17:50,576,179, G>A. VCF-style: chr17-50576179-G-A. GRCh37 (hg19) VCF-style: chr17-48653540-G-A.
Other names: c.1777G>A, p.Val593Met (NM_001256331.2, NM_001256332.2, NM_001256333.2 and 24 more transcripts); short protein forms V593M.
Identifiers: ClinVar variation 2057114 (VCV002057114.28), dbSNP rs372343140, ClinGen allele CA8652239.